The following is an entry in ClinVar:

ClinVar aggregate classification (germline): Uncertain significance (1 of 4 stars; one submission).

Submission:

Labcorp Genetics (formerly Invitae), Labcorp
Classification: Uncertain significance. Last evaluated: 2023-07-11. Review status: criteria provided, single submitter. Criteria: Invitae Variant Classification Sherloc (09022015). Collection method: clinical testing. Allele origin: unknown.
Comment: A copy number gain of the genomic region encompassing the full coding sequence of the CNOT3 gene has been identified. The boundaries of this event are unknown as they extend beyond the assayed region for this gene and therefore may encompass additional genes. As the precise location of this event is unknown, it may be in tandem or it may be located elsewhere in the genome. This variant has not been reported in the literature in individuals affected with CNOT3-related conditions. In summary, the available evidence is currently insufficient to determine the role of this variant in disease. Therefore, it has been classified as a Variant of Uncertain Significance.

NC_000019.9:g.(?_54646715)_(54659145_?)dup

Gene: CNOT3 (CCR4-NOT transcription complex subunit 3; plus strand). Cytogenetic location: 19q13.42.
Variant type: Duplication.
Identifiers: ClinVar variation 3242693 (VCV003242693.1).